The following is an entry in ClinVar:

NM_001385.3(DPYS):c.983G>T (p.Cys328Phe)

Gene: DPYS (dihydropyrimidinase; minus strand). Cytogenetic location: 8q22.3.
Variant type: single nucleotide variant.
Coding change: c.983G>T on transcript NM_001385.3 (MANE Select); coding-DNA position 983, G replaced by T.
Protein change: p.Cys328Phe; replaces cysteine 328 with phenylalanine.
Molecular consequence: missense variant.
Genome position (GRCh38, 1-based): chr8:104,428,089, C>A on the plus strand (G>T on the coding strand, the complement: DPYS is on the minus strand). VCF-style: chr8-104428089-C-A. GRCh37 (hg19) VCF-style: chr8-105440317-C-A.
Other names: short protein forms C328F.
Identifiers: ClinVar variation 2691788 (VCV002691788.2), dbSNP rs2537770775, ClinGen allele CA371940565.

ClinVar aggregate classification (germline): Likely pathogenic (1 of 4 stars; one submission).

Conditions:
Dihydropyrimidinase deficiency (DPYSD). Also called: dihydropyrimidinuria; DPH DEFICIENCY; DPYS DEFICIENCY. Identifiers: Orphanet 38874, MedGen C0342803, MONDO:0009111, OMIM 222748.

Submission:

Gemeinschaftspraxis fuer Humangenetik Dresden
Classification: Likely pathogenic for Dihydropyrimidinase deficiency. Last evaluated: 2023-09-28. Review status: criteria provided, single submitter. Criteria: ACMG Guidelines, 2015. Collection method: clinical testing. Allele origin: unknown. Inheritance: Autosomal recessive inheritance. Affected: yes.
Comment: This variant is not reported in HGMD 2023.2, gnomAD, dbSNP or LOVD so far.